The following is an entry in ClinVar:

ClinVar aggregate classification (germline): Pathogenic (1 of 4 stars; one submission).

Submission:

GeneDx
Classification: Pathogenic. Last evaluated: 2018-09-05. Review status: criteria provided, single submitter. Criteria: GeneDx Variant Classification (06012015). Collection method: clinical testing. Allele origin: germline. Affected: yes.
Comment: The c.983delC variant has not been published as a pathogenic variant, nor has it been reported as a benign variant to our knowledge. The variant is not observed in large population cohorts (Lek et al., 2016). It causes a frameshift starting with codon Proline 328, changes this amino acid to an Arginine residue and creates a premature Stop codon at position 42 of the new reading frame, denoted p.Pro328ArgfsX42. This variant is predicted to cause loss of normal protein function through protein truncation. We consider this variant to be pathogenic.

NM_001379200.1(TBX1):c.1010del (p.Pro337fs)

Gene: TBX1 (T-box transcription factor 1; plus strand). Cytogenetic location: 22q11.21.
Variant type: Deletion.
Coding change: c.1010del on transcript NM_001379200.1 (MANE Select); coding-DNA position 1010, one base deleted (C; older notation c.1010delC).
Protein change: p.Pro337fs; shifts the reading frame from proline 337.
Molecular consequence: frameshift variant.
Genome position (GRCh38, 1-based): chr22:19,765,976, C deleted; the last of 4 consecutive C bases (chr22:19,765,973-19,765,976); deleting any one gives the same sequence. VCF-style (leftmost placement, unchanged base first): chr22-19765972-TC-T. GRCh37 (hg19) VCF-style: chr22-19753495-TC-T.
Other names: c.983del, p.Pro328fs (NM_005992.1, NM_080646.2, NM_080647.1); c.983delC (NM_080647.1); short protein forms P328fs, P337fs.
Identifiers: ClinVar variation 817078 (VCV000817078.1), dbSNP rs1425319851, ClinGen allele CA638359419.